The following is an entry in ClinVar:

ClinVar aggregate classification (germline): Pathogenic/Likely pathogenic. Review status: criteria provided, multiple submitters, no conflicts (2 of 4 stars). 3 submissions from 3 submitters: Pathogenic (1); Likely pathogenic (1). 1 of the submissions does not count toward it. Last evaluated 2024-12-22.

Conditions:
Achondrogenesis type II (ACG2). Also called: ACHONDROGENESIS, LANGER-SALDINO TYPE; CHONDROGENESIS IMPERFECTA. Identifiers: Orphanet 932, Orphanet 93296, MedGen C0220685, MONDO:0008702, OMIM 200610.

Submissions (3):

Labcorp Genetics (formerly Invitae), Labcorp
Classification: Pathogenic. Last evaluated: 2024-12-22. Review status: criteria provided, single submitter. Criteria: Invitae Variant Classification Sherloc (09022015). Collection method: clinical testing. Allele origin: germline.
Comment: This variant, c.3062_3079del, results in the deletion of 6 amino acid(s) of the COL2A1 protein (p.Pro1021_Gly1026del), but otherwise preserves the integrity of the reading frame. This variant is not present in population databases (gnomAD no frequency). This variant has been observed in individuals with autosomal dominant hypochondrogenesis (PMID: 10797431, 34529350). This variant is also known as G817-V822del6aa. ClinVar contains an entry for this variant (Variation ID: 438682). This variant disrupts the triple helix domain of COL2A1. Glycine residues within the Gly-Xaa-Yaa repeats of the triple helix domain are required for the structure and stability of fibrillar collagens (PMID: 7695699, 8218237, 19344236). In COL2A1, variants affecting these glycine residues are significantly enriched in individuals with disease (PMID: 9016532, 17078022) compared to the general population (ExAC). For these reasons, this variant has been classified as Pathogenic.

Clinical Genetics and Genomics, Karolinska University Hospital
Classification: Likely pathogenic for Achondrogenesis type II. Last evaluated: 2024-09-10. Review status: criteria provided, single submitter. Criteria: ACMG Guidelines, 2015. Collection method: clinical testing. Allele origin: de novo. Affected: yes.

Bioscientia Institut fuer Medizinische Diagnostik GmbH, Sonic Healthcare
Classification: Likely pathogenic for Achondrogenesis type II. Last evaluated: 2017-04-20. Review status: no assertion criteria provided. Collection method: clinical testing. Allele origin: germline. Affected: yes. Not counted in ClinVar's aggregate classification.

Literature cited by the submitters: PubMed 10797431 (cited by Labcorp Genetics (formerly Invitae), Labcorp); PubMed 34529350 (cited by Labcorp Genetics (formerly Invitae), Labcorp); PubMed 7695699 (cited by Labcorp Genetics (formerly Invitae), Labcorp); PubMed 8218237 (cited by Labcorp Genetics (formerly Invitae), Labcorp); PubMed 19344236 (cited by Labcorp Genetics (formerly Invitae), Labcorp); PubMed 9016532 (cited by Labcorp Genetics (formerly Invitae), Labcorp); PubMed 17078022 (cited by Labcorp Genetics (formerly Invitae), Labcorp).

NM_001844.5(COL2A1):c.3062_3079del (p.Pro1021_Gly1026del)

Gene: COL2A1 (collagen type II alpha 1 chain; minus strand). Cytogenetic location: 12q13.11.
Variant type: Deletion.
Coding change: c.3062_3079del on transcript NM_001844.5 (MANE Select); coding-DNA positions 3062 to 3079, 18 bases deleted (CCGTGGGTCCTCCTGGCC).
Protein change: p.Pro1021_Gly1026del.
Molecular consequence: inframe deletion.
Genome position (GRCh38, 1-based): chr12:47,978,042-47,978,059, GGCCAGGAGGACCCACGG deleted on the plus strand (CCGTGGGTCCTCCTGGCC on the coding strand, the reverse complement: COL2A1 is on the minus strand); deleting any 18 consecutive bases within chr12:47,978,042-47,978,072 gives the same sequence; the c. name uses the placement nearest the transcript's 3' end. VCF-style (leftmost placement, unchanged base first): chr12-47978041-AGGCCAGGAGGACCCACGG-A. GRCh37 (hg19) VCF-style: chr12-48371824-AGGCCAGGAGGACCCACGG-A.
Other names: c.2855_2872del, p.Pro952_Gly957del (NM_033150.3).
Identifiers: ClinVar variation 438682 (VCV000438682.10), dbSNP rs1555165335, ClinGen allele CA645509321.
Genomic context (GRCh38, chr12:47,978,041, plus strand): 5'-GGGCCACCCCAGGGGGTCTCACTGCTCACCTCTCGTCCAGGTTCACCTGCAGGACCCGTC[AGGCCAGGAGGACCCACGG>A]GGCCAGGAGGACCTCTGTCTCCAGATGCTCCAGGAGCACCCTGCTTGCCGGGCTCACCCT-3'